The following is an entry in ClinVar:

ClinVar aggregate classification (germline): Pathogenic (1 of 4 stars; one submission).

Submission:

Labcorp Genetics (formerly Invitae), Labcorp
Classification: Pathogenic. Last evaluated: 2022-03-19. Review status: criteria provided, single submitter. Criteria: Invitae Variant Classification Sherloc (09022015). Collection method: clinical testing. Allele origin: germline.
Comment: This variant is not present in population databases (gnomAD no frequency). This sequence change creates a premature translational stop signal (p.Leu94Argfs*20) in the SERPINF1 gene. It is expected to result in an absent or disrupted protein product. Loss-of-function variants in SERPINF1 are known to be pathogenic (PMID: 21353196, 21826736). This variant has not been reported in the literature in individuals affected with SERPINF1-related conditions. For these reasons, this variant has been classified as Pathogenic.

Literature cited by the submitters: PubMed 21353196; PubMed 21826736.

NM_002615.7(SERPINF1):c.277_278dup (p.Leu94fs)

Genes: SERPINF1 (serpin family F member 1; plus strand), LOC130059892 (ATAC-STARR-seq lymphoblastoid active region 11457; plus strand). Cytogenetic location: 17p13.3.
Variant type: Microsatellite.
Coding change: c.277_278dup on transcript NM_002615.7 (MANE Select); coding-DNA positions 277 to 278, 2 bases duplicated (TC; older notation c.277_278dupTC).
Protein change: p.Leu94fs; shifts the reading frame from leucine 94.
Molecular consequence: frameshift variant. On other transcripts: 5 prime UTR variant (1).
Genome position (GRCh38, 1-based): chr17:1,770,044-1,770,045, TC duplicated; duplicating any 2 consecutive bases within chr17:1,770,041-1,770,045 gives the same sequence; the c. name uses the placement nearest the transcript's 3' end. VCF-style (leftmost placement, unchanged base first): chr17-1770040-C-CCT. GRCh37 (hg19) VCF-style: chr17-1673334-C-CCT.
Other names: c.277_278dup, p.Leu94fs (NM_001329903.2); c.-287TC[3] (NM_001329904.2); short protein forms L94fs.
Identifiers: ClinVar variation 2114472 (VCV002114472.4), dbSNP rs2543477078, ClinGen allele CA2580613956.